The following is an entry in ClinVar:

NM_004369.4(COL6A3):c.5610C>A (p.Ser1870Arg)

Gene: COL6A3 (collagen type VI alpha 3 chain; minus strand). Cytogenetic location: 2q37.3.
Variant type: single nucleotide variant.
Coding change: c.5610C>A on transcript NM_004369.4 (MANE Select); coding-DNA position 5610, C replaced by A.
Protein change: p.Ser1870Arg; replaces serine 1870 with arginine.
Molecular consequence: missense variant.
Genome position (GRCh38, 1-based): chr2:237,365,926, G>T on the plus strand (C>A on the coding strand, the complement: COL6A3 is on the minus strand). VCF-style: chr2-237365926-G-T. GRCh37 (hg19) VCF-style: chr2-238274569-G-T.
Other names: c.3789C>A, p.Ser1263Arg (NM_057166.5); c.4992C>A, p.Ser1664Arg (NM_057167.4); short protein forms S1664R, S1263R.
Identifiers: ClinVar variation 94947 (VCV000094947.62), dbSNP rs113153193, ClinGen allele CA222623.
Genomic context (GRCh38, chr2:237,365,926, plus strand): 5'-CACCACTGACACACGCACGGTGGGCGAGCGGCCACCGCTGCAGCTGACCCTGTGCATCTG[G>T]CTGATTCTGTTCAAGATGGCGTCCACCTTGGACTCGAAGCCCTTCTGGGCCACAAAAACA-3'
Protein context (NP_004360.2, residues 1860-1880): SKVDAILNRI[Ser1870Arg]QMHRVSCSGG

ClinVar aggregate classification (germline): Conflicting classifications of pathogenicity. Review status: criteria provided, conflicting classifications (1 of 4 stars). 11 submissions from 11 submitters: Uncertain significance (4); Benign (2); Likely benign (4). 1 of the submissions does not count toward it. Last evaluated 2026-06-12.

Conditions:
Inborn genetic diseases. Identifiers: MedGen C0950123, MeSH D030342.
COL6A3-related disorder. Also called: COL6A3-related condition; COL6A3-related disorders.
Collagen 6-related myopathy. Identifiers: MedGen CN117976, MONDO:0100225.
Bethlem myopathy 1A. Also called: MYOPATHY, BENIGN CONGENITAL, WITH CONTRACTURES; Bethlem myopathy 1; Bethlem Muscular Dystrophy. Identifiers: Orphanet 610, MedGen CN029274, MONDO:0024530, OMIM 158810.
Tip-toe gait. Also called: Toe walking. Identifiers: MedGen C0427144, HP:0030051.

Allele frequency attached by ClinVar (database versions not stated): 1000 Genomes Project 30x 0.00047; gnomAD 0.00092 and 0.00075; 1000 Genomes Project 0.00060; TOPMed 0.00079; gnomAD exomes 0.00113 and 0.00127; ESP Exome Variant Server 0.00092; ExAC 0.00128.

Submissions (11):

Women's Health and Genetics/Laboratory Corporation of America, LabCorp
Classification: Likely benign. Last evaluated: 2026-06-12. Review status: criteria provided, single submitter. Criteria: LabCorp Variant Classification Summary - May 2015. Collection method: clinical testing. Allele origin: germline.
Comment: Variant summary: COL6A3 c.5610C>A (p.Ser1870Arg) results in a non-conservative amino acid change in the encoded protein sequence. Algorithms developed to predict the effect of missense changes on protein structure and function are either unavailable or do not agree on the potential impact of this missense change. The variant allele was found at a frequency of 0.0013 in 251198 control chromosomes, predominantly at a frequency of 0.0043 within the South Asian subpopulation in the gnomAD database. The observed variant frequency within South Asian control individuals in the gnomAD database exceeds the estimated maximal expected allele frequency for disease-causing variants in COL6A3. To our knowledge, no occurrence of c.5610C>A in individuals affected with COL6A3-related conditions and no experimental evidence demonstrating its impact on protein function have been reported. ClinVar contains an entry for this variant (Variation ID: 94947). Based on the evidence outlined above, the variant was classified as likely benign.

Labcorp Genetics (formerly Invitae), Labcorp
Classification: Likely benign for Bethlem myopathy 1A. Last evaluated: 2026-01-14. Review status: criteria provided, single submitter. Criteria: Invitae Variant Classification Sherloc (09022015). Collection method: clinical testing. Allele origin: germline.

CeGaT Center for Human Genetics Tuebingen
Classification: Likely benign. Last evaluated: 2025-10-01. Review status: criteria provided, single submitter. Criteria: CeGaT Center For Human Genetics Tuebingen Variant Classification Criteria Version 2. Collection method: clinical testing. Allele origin: germline. Affected: yes. Observed: 5 variant alleles.
Comment: COL6A3: BP4, BS1:Supporting

Ambry Genetics
Classification: Uncertain significance for Inborn genetic diseases. Last evaluated: 2024-12-17. Review status: criteria provided, single submitter. Criteria: Ambry Variant Classification Scheme 2023. Collection method: clinical testing. Allele origin: germline.

Blueprint Genetics
Classification: Likely benign. Last evaluated: 2024-10-28. Review status: criteria provided, single submitter. Criteria: ACMG Guidelines, 2015. Collection method: clinical testing. Allele origin: germline.

GeneDx
Classification: Uncertain significance. Last evaluated: 2022-04-25. Review status: criteria provided, single submitter. Criteria: GeneDx Variant Classification Process June 2021. Collection method: clinical testing. Allele origin: germline. Affected: yes.
Comment: In silico analysis supports that this missense variant has a deleterious effect on protein structure/function; Has not been previously published as pathogenic or benign to our knowledge; This variant is associated with the following publications: (PMID: 30564623)

Practice for Gait Abnormalities, David Pomarino, Competency Network Toe Walking C/o Practice Pomarino
Classification: Uncertain significance for Tip-toe gait. Last evaluated: 2020-09-11. Review status: criteria provided, single submitter. Criteria: ACMG Guidelines, 2015. Collection method: clinical testing. Allele origin: unknown. Affected: yes.
Comment: Myopathy refers to diseases that affect skeletal Muscles. These diseases attack muscle fibers, making muscles weak. Inherited myopathies are often caused by inheriting an abnormal gene mutation from a parent that causes the disease. Symptoms of congenital myopathies usually start at birth or in early childhood, but may not appear until the teen years or even later in adulthood. Congenital myopathies are somewhat unique compared with other inherited myopathies, as weakness typically affects all muscles and is often not progressive. Symptoms are: Muscle weakness, most commonly of upper arms and shoulders and thighs, muscle cramps, stiffness and spasms, fatigue with exertion and lack of energy. Our patients all walk on tiptoe, so they show similar symptoms. When we genetically test them with our toe walking panel, we find that around 90 per cent of them have a genetic variant that explains their toe walking. These can be assigned, for example, to the area of myopathies (such as variants of the COL6A3 gene), the area of hereditary neuropathies (such as variants of the KMT2C gene) or the area of metabolic diseases (such as variants of the PYGM gene). In a smaller group of patients with almost identical symptoms, no abnormality is found in the genes of our panel, but spastic paraplegia can be detected. In another small group of our toe walkers, no abnormalities can be detected in the genes analysed in our toe walking panel, nor do they suffer from spastic paraplegia, as is also the case with healthy children. In contrast to these, however, they show a tiptoe gait. These patients suffer from infantile cerebral palsy, in which toe walking can also be observed.

Illumina Laboratory Services, Illumina
Classification: Benign for Collagen VI-related myopathy. Last evaluated: 2018-01-13. Review status: criteria provided, single submitter. Criteria: ICSL Variant Classification Criteria 13 December 2019. Collection method: clinical testing. Allele origin: germline.
Comment: This variant was observed in the ICSL laboratory as part of a predisposition screen in an ostensibly healthy population. It had not been previously curated by ICSL or reported in the Human Gene Mutation Database (HGMD: prior to June 1st, 2018), and was therefore a candidate for classification through an automated scoring system. Utilizing variant allele frequency, disease prevalence and penetrance estimates, and inheritance mode, an automated score was calculated to assess if this variant is too frequent to cause the disease. Based on the score and internal cut-off values, a variant classified as benign is not then subjected to further curation. The score for this variant resulted in a classification of benign for this disease.

Eurofins Ntd Llc (ga)
Classification: Benign. Last evaluated: 2016-09-14. Review status: criteria provided, single submitter. Criteria: EGL Classification Definitions 2015. Collection method: clinical testing. Allele origin: germline. Observed: 11 variant alleles, 10 heterozygotes.

Center for Pediatric Genomic Medicine, Children's Mercy Hospital and Clinics
Classification: Uncertain significance. Last evaluated: 2015-05-29. Review status: criteria provided, single submitter. Criteria: ACMG Guidelines, 2015. Collection method: clinical testing. Allele origin: germline.
ClinVar note: Converted during submission from Uncertain Significance to Uncertain significance.

PreventionGenetics, part of Exact Sciences
Classification: Likely benign for COL6A3-related condition. Last evaluated: 2019-06-17. Review status: no assertion criteria provided. Collection method: clinical testing. Allele origin: germline. Not counted in ClinVar's aggregate classification.
Comment: This variant is classified as likely benign based on ACMG/AMP sequence variant interpretation guidelines (Richards et al. 2015 PMID: 25741868, with internal and published modifications).

Literature cited by the submitters: PubMed 37091313 (cited by Practice for Gait Abnormalities, David Pomarino, Competency Network Toe Walking C/o Practice Pomarino).